The following is an entry in ClinVar:

ClinVar aggregate classification (germline): Pathogenic (1 of 4 stars; one submission).

Submissions (3):

GeneDx
Classification: Pathogenic. Last evaluated: 2021-02-16. Review status: criteria provided, single submitter. Criteria: GeneDx Variant Classification Process June 2021. Collection method: clinical testing. Allele origin: germline. Affected: yes.
Comment: Intronic +5 splice site variant in a gene for which loss-of-function is a known mechanism of disease, and splice predictors support a deleterious effect; Not observed in large population cohorts (Lek et al., 2016); This variant is associated with the following publications: (PMID: 26633542)

Dr. Peter K. Rogan Lab, Western University
No classification provided (evidence only). Condition: Malignant tumor of urinary bladder. Review status: no classification provided. Collection method: in vitro. Allele origin: not applicable. Functional consequence: skipped exon. Not counted in ClinVar's aggregate classification.

Dr. Peter K. Rogan Lab, Western University
No classification provided (evidence only). Condition: Familial cancer of breast. Review status: no classification provided. Collection method: in vitro. Allele origin: not applicable. Functional consequence: skipped exon. Not counted in ClinVar's aggregate classification.

NM_001291415.2(KDM6A):c.619+4_619+7del

Gene: KDM6A (lysine demethylase 6A; plus strand). Cytogenetic location: Xp11.3.
Variant type: Microsatellite.
Coding change: c.619+4_619+7del on transcript NM_001291415.2 (MANE Select); bases 4 to 7 of the intron after coding-DNA position 619, 4 bases deleted (AGTA; older notation c.619+4_619+7delAGTA).
Molecular consequence: splice donor variant.
Genome position (GRCh38, 1-based): chrX:45,034,989-45,034,992, AGTA deleted; deleting any 4 consecutive bases within chrX:45,034,984-45,034,992 gives the same sequence; the c. name uses the placement nearest the transcript's 3' end. VCF-style (leftmost placement, unchanged base first): chrX-45034983-AAAGT-A. GRCh37 (hg19) VCF-style: chrX-44894228-AAAGT-A.
Other names: NC_000023.10:g.44894234_44894237del; c.619+4_619+7del (NM_021140.4, NM_001291416.2, NM_001291417.2 and 1 more transcripts); c.-135+4_-135+7del (NM_001291421.2).
Identifiers: ClinVar variation 1191456 (VCV001191456.3), dbSNP rs2147777529, ClinGen allele CA645601144.